The following is an entry in ClinVar:

ClinVar aggregate classification (germline): Likely benign (1 of 4 stars; one submission).

Allele frequency attached by ClinVar (database versions not stated): ExAC 0.00001; gnomAD 0.00001; gnomAD exomes 0.00001; TOPMed 0.00001; ESP Exome Variant Server 0.00008.

Submission:

CeGaT Center for Human Genetics Tuebingen
Classification: Likely benign. Last evaluated: 2022-03-01. Review status: criteria provided, single submitter. Criteria: CeGaT Center For Human Genetics Tuebingen Variant Classification Criteria Version 2. Collection method: clinical testing. Allele origin: germline. Affected: yes. Observed: 1 variant allele.
Comment: ZIC5: BP4, BP7

NM_033132.5(ZIC5):c.1887C>T (p.Tyr629=)

Gene: ZIC5 (Zic family zinc finger 5; minus strand). Cytogenetic location: 13q32.3.
Variant type: single nucleotide variant.
Coding change: c.1887C>T on transcript NM_033132.5 (MANE Select); coding-DNA position 1887, C replaced by T.
Protein change: p.Tyr629=; no amino-acid change (tyrosine 629 retained).
Molecular consequence: synonymous variant. On other transcripts: non-coding transcript variant (2).
Genome position (GRCh38, 1-based): chr13:99,965,410, G>A on the plus strand (C>T on the coding strand, the complement: ZIC5 is on the minus strand). VCF-style: chr13-99965410-G-A. GRCh37 (hg19) VCF-style: chr13-100617664-G-A.
Identifiers: ClinVar variation 2643890 (VCV002643890.24), dbSNP rs376832797, ClinGen allele CA7032455.
Genomic context (GRCh38, chr13:99,965,410, plus strand): 5'-TTCACTTATTATTATTAATAATAAATTCTAATGTATCGTCCGCACAACTTCAGGGTTCCC[G>A]TAAATTTCCTCATCTTCAGTCTCAGAGGTGGTTCCGTTGCTGGAAGGGGTGTGGAGGTGG-3'
Protein context (NP_149123.3, residues 619-639): TTSETEDEEI[Tyr629=]GNPEVVRTIH